The following is an entry in ClinVar:

NM_000288.4(PEX7):c.489G>T (p.Trp163Cys)

Gene: PEX7 (peroxisomal biogenesis factor 7; plus strand). Cytogenetic location: 6q23.3.
Variant type: single nucleotide variant.
Coding change: c.489G>T on transcript NM_000288.4 (MANE Select); coding-DNA position 489, G replaced by T.
Protein change: p.Trp163Cys; replaces tryptophan 163 with cysteine.
Molecular consequence: missense variant.
Genome position (GRCh38, 1-based): chr6:136,846,144, G>T. VCF-style: chr6-136846144-G-T. GRCh37 (hg19) VCF-style: chr6-137167282-G-T.
Other names: c.375G>T, p.Trp125Cys (NM_001410945.1); short protein forms W125C, W163C.
Identifiers: ClinVar variation 2130385 (VCV002130385.4), dbSNP rs2548082705, ClinGen allele CA365857275.

ClinVar aggregate classification (germline): Uncertain significance (1 of 4 stars; one submission).

Conditions:
Peroxisome biogenesis disorder 9B. Also called: PEX7-Related Refsum Disease; Refsum disease, adult, 2; PEROXISOME BIOGENESIS DISORDER, PEX7-RELATED, ATYPICAL. Identifiers: Orphanet 773, MedGen C2749346, MONDO:0013945, OMIM 614879.

Submission:

Labcorp Genetics (formerly Invitae), Labcorp
Classification: Uncertain significance for Peroxisome biogenesis disorder 9B. Last evaluated: 2022-04-24. Review status: criteria provided, single submitter. Criteria: Invitae Variant Classification Sherloc (09022015). Collection method: clinical testing. Allele origin: germline.
Comment: This sequence change replaces tryptophan, which is neutral and slightly polar, with cysteine, which is neutral and slightly polar, at codon 163 of the PEX7 protein (p.Trp163Cys). This variant is not present in population databases (gnomAD no frequency). This variant has not been reported in the literature in individuals affected with PEX7-related conditions. Algorithms developed to predict the effect of missense changes on protein structure and function (SIFT, PolyPhen-2, Align-GVGD) all suggest that this variant is likely to be disruptive. In summary, the available evidence is currently insufficient to determine the role of this variant in disease. Therefore, it has been classified as a Variant of Uncertain Significance.